The following is an entry in ClinVar:

ClinVar aggregate classification (germline): Pathogenic (1 of 4 stars; one submission).

Conditions:
Maple syrup urine disease type 2 (MSUD2). Also called: Maple syrup urine disease, type II. Identifiers: MedGen C1855371, MONDO:0023693, OMIM 620699.

Submission:

Myriad Genetics, Inc.
Classification: Pathogenic for Maple syrup urine disease type 2. Last evaluated: 2026-04-13. Review status: criteria provided, single submitter. Criteria: Myriad Autosomal Dominant, Autosomal Recessive and X-Linked Classification Criteria (2023). Collection method: clinical testing. Allele origin: unknown.
Comment: NM_001918.3(DBT):c.1014_1015delTA(Y338*) is a nonsense variant classified as pathogenic in the context of maple syrup urine disease type II. Y338* has not been observed in cases with relevant disease. Relevant functional assessments of this variant are not available in the literature. Y338* has not been observed in referenced population frequency databases. In summary, NM_001918.3(DBT):c.1014_1015delTA(Y338*) is a nonsense variant in a gene where loss of function is a known mechanism of disease and is predicted to disrupt protein function. Please note: this variant was assessed in the context of healthy population screening.

NM_001918.5(DBT):c.1014_1015del (p.Tyr338_Lys339delinsTer)

Gene: DBT (dihydrolipoamide branched chain transacylase E2; minus strand). Cytogenetic location: 1p21.2.
Variant type: Microsatellite.
Coding change: c.1014_1015del on transcript NM_001918.5 (MANE Select); coding-DNA positions 1014 to 1015, 2 bases deleted (TA; older notation c.1014_1015delTA).
Protein change: p.Tyr338_Lys339delinsTer.
Molecular consequence: nonsense. On other transcripts: non-coding transcript variant (4).
Genome position (GRCh38, 1-based): chr1:100,210,696-100,210,697, TA deleted on the plus strand (TA on the coding strand, the reverse complement: DBT is on the minus strand); deleting any 2 consecutive bases within chr1:100,210,696-100,210,700 gives the same sequence; the c. name uses the placement nearest the transcript's 3' end. VCF-style (leftmost placement, unchanged base first): chr1-100210695-TTA-T. GRCh37 (hg19) VCF-style: chr1-100676251-TTA-T.
Other names: c.471_472del, p.Tyr157_Lys158delinsTer (NM_001399969.1, NM_001399972.1).
Identifiers: ClinVar variation 5004602 (VCV005004602.1).